The following is an entry in ClinVar:

NM_022497.5(MRPS25):c.105C>T (p.Asn35=)

Gene: MRPS25 (mitochondrial ribosomal protein S25; minus strand). Cytogenetic location: 3p25.1.
Variant type: single nucleotide variant.
Coding change: c.105C>T on transcript NM_022497.5 (MANE Select); coding-DNA position 105, C replaced by T.
Protein change: p.Asn35=; no amino-acid change (asparagine 35 retained).
Molecular consequence: synonymous variant. On other transcripts: non-coding transcript variant (2).
Genome position (GRCh38, 1-based): chr3:15,065,090, G>A on the plus strand (C>T on the coding strand, the complement: MRPS25 is on the minus strand). VCF-style: chr3-15065090-G-A. GRCh37 (hg19) VCF-style: chr3-15106597-G-A.
Identifiers: ClinVar variation 2653591 (VCV002653591.24), dbSNP rs149373150, ClinGen allele CA2273198.

ClinVar aggregate classification (germline): Likely benign (1 of 4 stars; one submission).

Allele frequency attached by ClinVar (database versions not stated): 1000 Genomes Project 30x 0.00016; 1000 Genomes Project 0.00020; gnomAD 0.00039; TOPMed 0.00043; ExAC 0.00072; ESP Exome Variant Server 0.00085.

Submission:

CeGaT Center for Human Genetics Tuebingen
Classification: Likely benign. Last evaluated: 2023-01-01. Review status: criteria provided, single submitter. Criteria: CeGaT Center For Human Genetics Tuebingen Variant Classification Criteria Version 2. Collection method: clinical testing. Allele origin: germline. Affected: yes. Observed: 1 variant allele.
Comment: MRPS25: BP4, BP7